The following is an entry in ClinVar:

ClinVar aggregate classification (germline): Uncertain significance (1 of 4 stars; one submission).

Conditions:
Congenital disorder of glycosylation, type IIq. Also called: CDG IIq. Identifiers: Orphanet 435934, MedGen C4479353, MONDO:0054559, OMIM 617395.

Submission:

Labcorp Genetics (formerly Invitae), Labcorp
Classification: Uncertain significance for Congenital disorder of glycosylation, type IIq. Last evaluated: 2022-10-13. Review status: criteria provided, single submitter. Criteria: Invitae Variant Classification Sherloc (09022015). Collection method: clinical testing. Allele origin: germline.
Comment: In summary, the available evidence is currently insufficient to determine the role of this variant in disease. Therefore, it has been classified as a Variant of Uncertain Significance. Advanced modeling of protein sequence and biophysical properties (such as structural, functional, and spatial information, amino acid conservation, physicochemical variation, residue mobility, and thermodynamic stability) performed at Invitae indicates that this missense variant is expected to disrupt COG2 protein function. This variant has not been reported in the literature in individuals affected with COG2-related conditions. This variant is not present in population databases (gnomAD no frequency). This sequence change replaces arginine, which is basic and polar, with leucine, which is neutral and non-polar, at codon 232 of the COG2 protein (p.Arg232Leu).

NM_007357.3(COG2):c.695G>T (p.Arg232Leu)

Gene: COG2 (component of oligomeric golgi complex 2; plus strand). Cytogenetic location: 1q42.2.
Variant type: single nucleotide variant.
Coding change: c.695G>T on transcript NM_007357.3 (MANE Select); coding-DNA position 695, G replaced by T.
Protein change: p.Arg232Leu; replaces arginine 232 with leucine.
Molecular consequence: missense variant.
Genome position (GRCh38, 1-based): chr1:230,669,456, G>T. VCF-style: chr1-230669456-G-T. GRCh37 (hg19) VCF-style: chr1-230805202-G-T.
Other names: c.695G>T, p.Arg232Leu (NM_001145036.2); short protein forms R232L.
Identifiers: ClinVar variation 2191774 (VCV002191774.4), dbSNP rs771542526, ClinGen allele CA345202974.